The following is an entry in ClinVar:

NM_031475.3(ESPN):c.779T>C (p.Leu260Pro)

Gene: ESPN (espin; plus strand). Cytogenetic location: 1p36.31.
Variant type: single nucleotide variant.
Coding change: c.779T>C on transcript NM_031475.3 (MANE Select); coding-DNA position 779, T replaced by C.
Protein change: p.Leu260Pro; replaces leucine 260 with proline.
Molecular consequence: missense variant.
Genome position (GRCh38, 1-based): chr1:6,440,729, T>C. VCF-style: chr1-6440729-T-C. GRCh37 (hg19) VCF-style: chr1-6500789-T-C.
Other names: c.779T>C, p.Leu260Pro (NM_001367473.1, NM_001367474.1); short protein forms L260P.
Identifiers: ClinVar variation 4727449 (VCV004727449.1).

ClinVar aggregate classification (germline): Uncertain significance (1 of 4 stars; one submission).

Submission:

Labcorp Genetics (formerly Invitae), Labcorp
Classification: Uncertain significance. Last evaluated: 2025-12-12. Review status: criteria provided, single submitter. Criteria: Invitae Variant Classification Sherloc (09022015). Collection method: clinical testing. Allele origin: germline.
Comment: This sequence change replaces leucine, which is neutral and non-polar, with proline, which is neutral and non-polar, at codon 260 of the ESPN protein (p.Leu260Pro). This variant is not present in population databases (gnomAD no frequency). This variant has not been reported in the literature in individuals affected with ESPN-related conditions. An algorithm developed to predict the effect of missense changes on protein structure and function (PolyPhen-2) suggests that this variant is likely to be disruptive. In summary, the available evidence is currently insufficient to determine the role of this variant in disease. Therefore, it has been classified as a Variant of Uncertain Significance.